The following is an entry in ClinVar:

NM_031220.4(PITPNM3):c.599A>G (p.Tyr200Cys)

Gene: PITPNM3 (PITPNM family member 3; minus strand). Cytogenetic location: 17p13.2.
Variant type: single nucleotide variant.
Coding change: c.599A>G on transcript NM_031220.4 (MANE Select); coding-DNA position 599, A replaced by G.
Protein change: p.Tyr200Cys; replaces tyrosine 200 with cysteine.
Molecular consequence: missense variant.
Genome position (GRCh38, 1-based): chr17:6,478,725, T>C on the plus strand (A>G on the coding strand, the complement: PITPNM3 is on the minus strand). VCF-style: chr17-6478725-T-C. GRCh37 (hg19) VCF-style: chr17-6382045-T-C.
Other names: c.491A>G, p.Tyr164Cys (NM_001165966.2); short protein forms Y164C, Y200C.
Identifiers: ClinVar variation 4775380 (VCV004775380.1).

ClinVar aggregate classification (germline): Uncertain significance (1 of 4 stars; one submission).

gnomAD v4.1: 1 of 1,578,558 alleles (0.000063%); highest among the groups gnomAD compares: African/African-American, 0.0013%; no homozygotes.

Submission:

Labcorp Genetics (formerly Invitae), Labcorp
Classification: Uncertain significance. Last evaluated: 2026-01-26. Review status: criteria provided, single submitter. Criteria: Invitae Variant Classification Sherloc (09022015). Collection method: clinical testing. Allele origin: germline.
Comment: This sequence change replaces tyrosine, which is neutral and polar, with cysteine, which is neutral and slightly polar, at codon 200 of the PITPNM3 protein (p.Tyr200Cys). This variant is not present in population databases (gnomAD no frequency). This variant has not been reported in the literature in individuals affected with PITPNM3-related conditions. An algorithm developed to predict the effect of missense changes on protein structure and function outputs the following: PolyPhen-2: "Possibly Damaging". The cysteine amino acid residue is found in multiple mammalian species, which suggests that this missense change does not adversely affect protein function. In summary, the available evidence is currently insufficient to determine the role of this variant in disease. Therefore, it has been classified as a Variant of Uncertain Significance.